The following is an entry in ClinVar:

ClinVar aggregate classification (germline): Uncertain significance (1 of 4 stars; one submission).

Submission:

Ambry Genetics
Classification: Uncertain significance. Last evaluated: 2024-11-25. Review status: criteria provided, single submitter. Criteria: Ambry Variant Classification Scheme 2023. Collection method: clinical testing. Allele origin: germline.
Comment: The p.Q620R variant (also known as c.1859A>G), located in coding exon 8 of the WNK2 gene, results from an A to G substitution at nucleotide position 1859. The glutamine at codon 620 is replaced by arginine, an amino acid with highly similar properties. This amino acid position is conserved. In addition, the in silico prediction for this alteration is inconclusive. Based on the available evidence, the clinical significance of this variant remains unclear.

NM_006648.4(WNK2):c.1859A>G (p.Gln620Arg)

Gene: WNK2 (WNK lysine deficient protein kinase 2; plus strand). Cytogenetic location: 9q22.31.
Variant type: single nucleotide variant.
Coding change: c.1859A>G on transcript NM_006648.4 (MANE Select); coding-DNA position 1859, A replaced by G.
Protein change: p.Gln620Arg; replaces glutamine 620 with arginine.
Molecular consequence: missense variant.
Genome position (GRCh38, 1-based): chr9:93,252,907, A>G. VCF-style: chr9-93252907-A-G. GRCh37 (hg19) VCF-style: chr9-96015189-A-G.
Other names: c.1859A>G, p.Gln620Arg (NM_001282394.3); short protein forms Q620R.
Identifiers: ClinVar variation 3470397 (VCV003470397.1).
Genomic context (GRCh38, chr9:93,252,907, plus strand): 5'-GATGTCCACTCTAAGTCCTGCTTTTGTCCTCCCCAGCGGACAGCACCTTCGACAGCGGCC[A>G]GGGCTCTACCGTGTACTCAGACTCGCAGAGCAGCCAGCAGAGCGTGATGCTTGGCTCCCT-3'
Protein context (NP_006639.3, residues 610-630): LASDSTFDSG[Gln620Arg]GSTVYSDSQS